The following is an entry in ClinVar:

ClinVar aggregate classification (germline): Uncertain significance. Review status: criteria provided, multiple submitters, no conflicts (2 of 4 stars). 2 submissions from 2 submitters: Uncertain significance (2). Last evaluated 2024-04-30.

Submissions (2):

Labcorp Genetics (formerly Invitae), Labcorp
Classification: Uncertain significance. Last evaluated: 2024-04-30. Review status: criteria provided, single submitter. Criteria: Invitae Variant Classification Sherloc (09022015). Collection method: clinical testing. Allele origin: germline.
Comment: This sequence change replaces alanine, which is neutral and non-polar, with phenylalanine, which is neutral and non-polar, at codon 842 of the ERCC6L2 protein (p.Ala842Phe). Information on the frequency of this variant in the gnomAD database is not available, as this variant may be reported differently in the database. This variant has not been reported in the literature in individuals affected with ERCC6L2-related conditions. ClinVar contains an entry for this variant (Variation ID: 1338604). Experimental studies and prediction algorithms are not available or were not evaluated, and the functional significance of this variant is currently unknown. In summary, the available evidence is currently insufficient to determine the role of this variant in disease. Therefore, it has been classified as a Variant of Uncertain Significance.

Genetic Services Laboratory, University of Chicago
Classification: Uncertain significance. Last evaluated: 2020-08-06. Review status: criteria provided, single submitter. Criteria: ACMG Guidelines, 2015. Collection method: clinical testing. Allele origin: germline. Affected: no.
Comment: DNA sequence analysis of the ERCC6L2 gene demonstrated two sequence changes, c.2524G>T and c.2525C>T present in cis, in exon 16 that results in an amino acid change, p.Ala842Phe. This p.Ala842Phe variant does not appear to have been previously described in patients with ERCC6L2-related disorders. Both sequence changes, c.2524G>T and c.2525C>T, have been described in the gnomAD database with a low population frequency of 0.0055% (dbSNP rs571601155, rs532544338). The p.Ala842Phe change affects a poorly conserved amino acid residue of the ERCC6L2 protein. In-silico pathogenicity prediction tools (SIFT, Align GVGD) provide contradictory results for the p.Ala842Phe substitution. Due to these contrasting evidences and the lack of functional studies, the clinical significance of the p.Ala842Phe change remains unknown at this time.

NM_020207.7(ERCC6L2):c.2491_2492delinsTT (p.Ala831Phe)

Gene: ERCC6L2 (ERCC excision repair 6 like 2; plus strand). Cytogenetic location: 9q22.32.
Variant type: Indel.
Coding change: c.2491_2492delinsTT on transcript NM_020207.7 (MANE Select); coding-DNA positions 2491 to 2492, GC replaced by TT.
Protein change: p.Ala831Phe; replaces alanine 831 with phenylalanine.
Molecular consequence: missense variant. On other transcripts: non-coding transcript variant (1).
Genome position (GRCh38, 1-based): chr9:95,972,242-95,972,243, GC replaced by TT. VCF-style: chr9-95972242-GC-TT. GRCh37 (hg19) VCF-style: chr9-98734524-GC-TT.
Other names: c.2491_2492delinsTT, p.Ala831Phe (NM_001375291.1, NM_001375292.1, NM_001375293.1 and 1 more transcripts); short protein forms A831F.
Identifiers: ClinVar variation 1338604 (VCV001338604.8), dbSNP rs2133079357, ClinGen allele CA2573053215.